The following is an entry in ClinVar:

NM_006767.4(LZTR1):c.1909_1910del (p.Pro637fs)

Gene: LZTR1 (leucine zipper like post translational regulator 1; plus strand). Cytogenetic location: 22q11.21.
Variant type: Deletion.
Coding change: c.1909_1910del on transcript NM_006767.4 (MANE Select); coding-DNA positions 1909 to 1910, 2 bases deleted (CC; older notation c.1909_1910delCC).
Protein change: p.Pro637fs; shifts the reading frame from proline 637.
Molecular consequence: frameshift variant.
Genome position (GRCh38, 1-based): chr22:20,994,993-20,994,994, CC deleted; deleting any 2 consecutive bases within chr22:20,994,990-20,994,994 gives the same sequence; the c. name uses the placement nearest the transcript's 3' end. VCF-style (leftmost placement, unchanged base first): chr22-20994989-GCC-G. GRCh37 (hg19) VCF-style: chr22-21349278-GCC-G.
Other names: short protein forms P637fs.
Identifiers: ClinVar variation 1782449 (VCV001782449.5), dbSNP rs780380199, ClinGen allele CA2577656263.
Genomic context (GRCh38, chr22:20,994,989, plus strand): 5'-GGAGTTCGAGCGCCTCTCCTCTCCACTGATAGTGGAGATTGTGCGGCGGAAGCAGCAGCC[GCC>G]CCCTCGCACTCCCTTGGACCAGCCAGTGGACATTGGTAGGGAGCCCCGTTCCCCTTCCCT-3'

ClinVar aggregate classification (germline): Pathogenic. Review status: criteria provided, multiple submitters, no conflicts (2 of 4 stars). 2 submissions from 2 submitters: Pathogenic (2). Last evaluated 2025-09-10.

Conditions:
Hereditary cancer-predisposing syndrome. Also called: Neoplastic Syndromes, Hereditary; Tumor predisposition; Hereditary Cancer Syndrome; Hereditary neoplastic syndrome. Identifiers: Orphanet 140162, MedGen C0027672, MeSH D009386, MONDO:0015356.
Cardiovascular phenotype. Identifiers: MedGen CN230736.

Submissions (2):

Labcorp Genetics (formerly Invitae), Labcorp
Classification: Pathogenic. Last evaluated: 2025-09-10. Review status: criteria provided, single submitter. Criteria: Invitae Variant Classification Sherloc (09022015). Collection method: clinical testing. Allele origin: germline.
Comment: This sequence change creates a premature translational stop signal (p.Pro637Serfs*31) in the LZTR1 gene. It is expected to result in an absent or disrupted protein product. Loss-of-function variants in LZTR1 are known to be pathogenic (PMID: 24362817, 25335493, 25480913, 25795793, 29469822, 30368668, 30442762, 30442766, 30481304, 30859559). This variant is not present in population databases (gnomAD no frequency). This variant has not been reported in the literature in individuals affected with LZTR1-related conditions. ClinVar contains an entry for this variant (Variation ID: 1782449). For these reasons, this variant has been classified as Pathogenic.

Ambry Genetics
Classification: Pathogenic for Cardiovascular phenotype; Hereditary cancer-predisposing syndrome. Last evaluated: 2020-11-20. Review status: criteria provided, single submitter. Criteria: Ambry Variant Classification Scheme 2023. Collection method: clinical testing. Allele origin: germline.
Comment: The c.1909_1910delCC pathogenic mutation, located in coding exon 16 of the LZTR1 gene, results from a deletion of two nucleotides at nucleotide positions 1909 to 1910, causing a translational frameshift with a predicted alternate stop codon (p.P637Sfs*31). This alteration is expected to result in loss of function by premature protein truncation or nonsense-mediated mRNA decay. Based on the supporting evidence, this variant is expected to be causative of autosomal dominant schwannomatosis and, when found in trans with a second pathogenic mutation, autosomal recessive Noonan syndrome.

Literature cited by the submitters: PubMed 24362817 (cited by Labcorp Genetics (formerly Invitae), Labcorp); PubMed 25335493 (cited by Labcorp Genetics (formerly Invitae), Labcorp); PubMed 25480913 (cited by Labcorp Genetics (formerly Invitae), Labcorp); PubMed 25795793 (cited by Labcorp Genetics (formerly Invitae), Labcorp); PubMed 29469822 (cited by Labcorp Genetics (formerly Invitae), Labcorp); PubMed 30368668 (cited by Labcorp Genetics (formerly Invitae), Labcorp); PubMed 30442762 (cited by Labcorp Genetics (formerly Invitae), Labcorp); PubMed 30442766 (cited by Labcorp Genetics (formerly Invitae), Labcorp); PubMed 30481304 (cited by Labcorp Genetics (formerly Invitae), Labcorp); PubMed 30859559 (cited by Labcorp Genetics (formerly Invitae), Labcorp).